The following is an entry in ClinVar:

ClinVar aggregate classification (germline): Uncertain significance (1 of 4 stars; one submission).

Conditions:
Usher syndrome type 3B. Also called: USHER SYNDROME, TYPE IIIB. Identifiers: MedGen C3281066, MONDO:0013788, OMIM 614504.

Submission:

Labcorp Genetics (formerly Invitae), Labcorp
Classification: Uncertain significance for Usher syndrome type 3B. Last evaluated: 2020-07-30. Review status: criteria provided, single submitter. Criteria: Invitae Variant Classification Sherloc (09022015). Collection method: clinical testing. Allele origin: germline.
Comment: In summary, the available evidence is currently insufficient to determine the role of this variant in disease. Therefore, it has been classified as a Variant of Uncertain Significance. Algorithms developed to predict the effect of missense changes on protein structure and function (SIFT, PolyPhen-2, Align-GVGD) all suggest that this variant is likely to be tolerated, but these predictions have not been confirmed by published functional studies and their clinical significance is uncertain. This variant has not been reported in the literature in individuals with HARS-related conditions. This variant is not present in population databases (ExAC no frequency). This sequence change replaces proline with leucine at codon 351 of the HARS protein (p.Pro351Leu). The proline residue is moderately conserved and there is a moderate physicochemical difference between proline and leucine.

NM_002109.6(HARS1):c.1052C>T (p.Pro351Leu)

Gene: HARS1 (histidyl-tRNA synthetase 1; minus strand). Cytogenetic location: 5q31.3.
Variant type: single nucleotide variant.
Coding change: c.1052C>T on transcript NM_002109.6 (MANE Select); coding-DNA position 1052, C replaced by T.
Protein change: p.Pro351Leu; replaces proline 351 with leucine.
Molecular consequence: missense variant.
Genome position (GRCh38, 1-based): chr5:140,676,796, G>A on the plus strand (C>T on the coding strand, the complement: HARS1 is on the minus strand). VCF-style: chr5-140676796-G-A. GRCh37 (hg19) VCF-style: chr5-140056381-G-A.
Other names: c.932C>T, p.Pro311Leu (NM_001258040.3); c.992C>T, p.Pro331Leu (NM_001258041.3); c.872C>T, p.Pro291Leu (NM_001258042.3); c.830C>T, p.Pro277Leu (NM_001289092.2); c.710C>T, p.Pro237Leu (NM_001289093.2); c.965C>T, p.Pro322Leu (NM_001289094.2); short protein forms P237L, P331L, P277L, P311L, P322L, P291L, P351L.
Identifiers: ClinVar variation 1043319 (VCV001043319.8), dbSNP rs1758395666, ClinGen allele CA361251490.